The following is an entry in ClinVar:

ClinVar aggregate classification (germline): Uncertain significance (1 of 4 stars; one submission).

Allele frequency attached by ClinVar (database versions not stated): gnomAD exomes below 0.00001.
gnomAD v4.1: 2 of 1,614,052 alleles (0.00012%); highest among the groups gnomAD compares: Non-Finnish European, 0.00017%; no homozygotes.

Submission:

Labcorp Genetics (formerly Invitae), Labcorp
Classification: Uncertain significance. Last evaluated: 2025-11-06. Review status: criteria provided, single submitter. Criteria: Invitae Variant Classification Sherloc (09022015). Collection method: clinical testing. Allele origin: germline.
Comment: This sequence change replaces phenylalanine, which is neutral and non-polar, with serine, which is neutral and polar, at codon 2919 of the COL7A1 protein (p.Phe2919Ser). This variant is present in population databases (no rsID available, gnomAD 0.002%). This variant has not been reported in the literature in individuals affected with COL7A1-related conditions. ClinVar contains an entry for this variant (Variation ID: 3015454). Invitae Evidence Modeling of protein sequence and biophysical properties (such as structural, functional, and spatial information, amino acid conservation, physicochemical variation, residue mobility, and thermodynamic stability) indicates that this missense variant is expected to disrupt COL7A1 protein function with a positive predictive value of 95%. In summary, the available evidence is currently insufficient to determine the role of this variant in disease. Therefore, it has been classified as a Variant of Uncertain Significance.

NM_000094.4(COL7A1):c.8756T>C (p.Phe2919Ser)

Gene: COL7A1 (collagen type VII alpha 1 chain; minus strand). Cytogenetic location: 3p21.31.
Variant type: single nucleotide variant.
Coding change: c.8756T>C on transcript NM_000094.4 (MANE Select); coding-DNA position 8756, T replaced by C.
Protein change: p.Phe2919Ser; replaces phenylalanine 2919 with serine.
Molecular consequence: missense variant.
Genome position (GRCh38, 1-based): chr3:48,564,845, A>G on the plus strand (T>C on the coding strand, the complement: COL7A1 is on the minus strand). VCF-style: chr3-48564845-A-G. GRCh37 (hg19) VCF-style: chr3-48602278-A-G.
Other names: short protein forms F2919S.
Identifiers: ClinVar variation 3015454 (VCV003015454.3), dbSNP rs1177760993, ClinGen allele CA352632859.